The following is an entry in ClinVar:

NM_015512.5(DNAH1):c.1958C>T (p.Pro653Leu)

Gene: DNAH1 (dynein axonemal heavy chain 1; plus strand). Cytogenetic location: 3p21.1.
Variant type: single nucleotide variant.
Coding change: c.1958C>T on transcript NM_015512.5 (MANE Select); coding-DNA position 1958, C replaced by T.
Protein change: p.Pro653Leu; replaces proline 653 with leucine.
Molecular consequence: missense variant.
Genome position (GRCh38, 1-based): chr3:52,347,826, C>T. VCF-style: chr3-52347826-C-T. GRCh37 (hg19) VCF-style: chr3-52381842-C-T.
Other names: short protein forms P653L.
Identifiers: ClinVar variation 1972990 (VCV001972990.5), dbSNP rs1474195357, ClinGen allele CA353096530.

ClinVar aggregate classification (germline): Uncertain significance (1 of 4 stars; one submission).

Conditions:
Spermatogenic failure 18. Identifiers: MedGen C4539783, MONDO:0054615, OMIM 617576.
Ciliary dyskinesia, primary, 37 (CILD37). Also called: CILIARY DYSKINESIA, PRIMARY, 37, WITH OR WITHOUT SITUS INVERSUS. Identifiers: MedGen C4539798, MONDO:0033204, OMIM 617577.

Allele frequency attached by ClinVar (database versions not stated): gnomAD 0.00001; gnomAD exomes 0.00001; TOPMed 0.00003.
gnomAD v4.1: 9 of 1,585,344 alleles (0.00057%); highest among the groups gnomAD compares: Admixed American, 0.014%; no homozygotes.

Submission:

Labcorp Genetics (formerly Invitae), Labcorp
Classification: Uncertain significance for Ciliary dyskinesia, primary, 37; Spermatogenic failure 18. Last evaluated: 2025-09-15. Review status: criteria provided, single submitter. Criteria: Invitae Variant Classification Sherloc (09022015). Collection method: clinical testing. Allele origin: germline.
Comment: This sequence change replaces proline, which is neutral and non-polar, with leucine, which is neutral and non-polar, at codon 653 of the DNAH1 protein (p.Pro653Leu). The frequency data for this variant in the population databases is considered unreliable, as metrics indicate poor data quality at this position in the gnomAD database. This variant has not been reported in the literature in individuals affected with DNAH1-related conditions. ClinVar contains an entry for this variant (Variation ID: 1972990). An algorithm developed to predict the effect of missense changes on protein structure and function (PolyPhen-2) suggests that this variant is likely to be tolerated. In summary, the available evidence is currently insufficient to determine the role of this variant in disease. Therefore, it has been classified as a Variant of Uncertain Significance.